The following is an entry in ClinVar:

ClinVar aggregate classification (germline): Uncertain significance (1 of 4 stars; one submission).

Conditions:
Multiple congenital anomalies-hypotonia-seizures syndrome 1 (MCAHS1). Also called: PIGN-CDG; Congenital disorder of glycosylation due to PIGN deficiency; GLYCOSYLPHOSPHATIDYLINOSITOL BIOSYNTHESIS DEFECT 3. Identifiers: Orphanet 280633, MedGen C3279775, MONDO:0013563, OMIM 614080.

Allele frequency attached by ClinVar (database versions not stated): TOPMed 0.00001.
gnomAD v4.1: 1 of 1,606,088 alleles (0.000062%); no homozygotes.

Submission:

Labcorp Genetics (formerly Invitae), Labcorp
Classification: Uncertain significance for Multiple congenital anomalies-hypotonia-seizures syndrome 1. Last evaluated: 2022-01-19. Review status: criteria provided, single submitter. Criteria: Invitae Variant Classification Sherloc (09022015). Collection method: clinical testing. Allele origin: germline.
Comment: This sequence change replaces proline, which is neutral and non-polar, with alanine, which is neutral and non-polar, at codon 282 of the PIGN protein (p.Pro282Ala). This variant is not present in population databases (gnomAD no frequency). This variant has not been reported in the literature in individuals affected with PIGN-related conditions. Algorithms developed to predict the effect of missense changes on protein structure and function are either unavailable or do not agree on the potential impact of this missense change (SIFT: "Not Available"; PolyPhen-2: "Probably Damaging"; Align-GVGD: "Not Available"). In summary, the available evidence is currently insufficient to determine the role of this variant in disease. Therefore, it has been classified as a Variant of Uncertain Significance.

NM_176787.5(PIGN):c.844C>G (p.Pro282Ala)

Gene: PIGN (phosphatidylinositol glycan anchor biosynthesis class N; minus strand). Cytogenetic location: 18q21.33.
Variant type: single nucleotide variant.
Coding change: c.844C>G on transcript NM_176787.5 (MANE Select); coding-DNA position 844, C replaced by G.
Protein change: p.Pro282Ala; replaces proline 282 with alanine.
Molecular consequence: missense variant.
Genome position (GRCh38, 1-based): chr18:62,145,987, G>C on the plus strand (C>G on the coding strand, the complement: PIGN is on the minus strand). VCF-style: chr18-62145987-G-C. GRCh37 (hg19) VCF-style: chr18-59813220-G-C.
Other names: c.844C>G, p.Pro282Ala (NM_012327.6); short protein forms P282A.
Identifiers: ClinVar variation 2088220 (VCV002088220.1), dbSNP rs1257056626, ClinGen allele CA402601188.